The following is an entry in ClinVar:

ClinVar aggregate classification (germline): Uncertain significance (1 of 4 stars; one submission).

Conditions:
Primary ciliary dyskinesia. Also called: Ciliary dyskinesia. Identifiers: Orphanet 244, MedGen C0008780, MONDO:0016575, HP:0012265.

Submission:

Labcorp Genetics (formerly Invitae), Labcorp
Classification: Uncertain significance for Primary ciliary dyskinesia. Last evaluated: 2024-03-07. Review status: criteria provided, single submitter. Criteria: Invitae Variant Classification Sherloc (09022015). Collection method: clinical testing. Allele origin: germline.
Comment: This sequence change replaces methionine, which is neutral and non-polar, with valine, which is neutral and non-polar, at codon 686 of the RPGR (ORF15) protein (p.Met686Val). This variant is not present in population databases (gnomAD no frequency). This variant has not been reported in the literature in individuals affected with RPGR (ORF15)-related conditions. ClinVar contains an entry for this variant (Variation ID: 2153393). Advanced modeling of protein sequence and biophysical properties (such as structural, functional, and spatial information, amino acid conservation, physicochemical variation, residue mobility, and thermodynamic stability) performed at Invitae indicates that this missense variant is not expected to disrupt RPGR (ORF15) protein function with a negative predictive value of 95%. In summary, the available evidence is currently insufficient to determine the role of this variant in disease. Therefore, it has been classified as a Variant of Uncertain Significance.

NM_001034853.2(RPGR):c.2056A>G (p.Met686Val)

Gene: RPGR (retinitis pigmentosa GTPase regulator; minus strand). Cytogenetic location: Xp11.4.
Variant type: single nucleotide variant.
Coding change: c.2056A>G on transcript NM_001034853.2 (MANE Select); coding-DNA position 2056, A replaced by G.
Protein change: p.Met686Val; replaces methionine 686 with valine.
Molecular consequence: missense variant. On other transcripts: intron variant (8).
Genome position (GRCh38, 1-based): chrX:38,286,943, T>C on the plus strand (A>G on the coding strand, the complement: RPGR is on the minus strand). VCF-style: chrX-38286943-T-C. GRCh37 (hg19) VCF-style: chrX-38146196-T-C.
Other names: c.1569+4016A>G (NM_001367249.1, NM_001367250.1); c.1902+151A>G (NM_001367245.1); c.1386+4016A>G (NM_001367251.1); c.1719+151A>G (NM_001367246.1); c.1572+4016A>G (NM_001367247.1); c.1905+151A>G (NM_000328.3); c.1602+4016A>G (NM_001367248.1); short protein forms M686V.
Identifiers: ClinVar variation 2153393 (VCV002153393.4), dbSNP rs2067194947, ClinGen allele CA412731558.